The following is an entry in ClinVar:

NM_001165963.4(SCN1A):c.3103C>T (p.Gln1035Ter)

Genes: SCN1A (sodium voltage-gated channel alpha subunit 1; minus strand), LOC102724058 (uncharacterized LOC102724058; plus strand). Cytogenetic location: 2q24.3.
Variant type: single nucleotide variant.
Coding change: c.3103C>T on transcript NM_001165963.4 (MANE Select); coding-DNA position 3103, C replaced by T.
Protein change: p.Gln1035Ter; replaces glutamine 1035 with a stop codon.
Molecular consequence: nonsense. On other transcripts: non-coding transcript variant (2).
Genome position (GRCh38, 1-based): chr2:166,036,374, G>A on the plus strand (C>T on the coding strand, the complement: SCN1A is on the minus strand). VCF-style: chr2-166036374-G-A. GRCh37 (hg19) VCF-style: chr2-166892884-G-A.
Other names: c.3019C>T, p.Gln1007Ter (NM_001165964.3, NM_001353957.2, NM_001353958.2); c.3103C>T, p.Gln1035Ter (NM_001202435.3, NM_001353948.2); c.3070C>T, p.Gln1024Ter (NM_001353949.2, NM_001353950.2, NM_001353951.2 and 2 more transcripts); c.3067C>T, p.Gln1023Ter (NM_001353954.2, NM_001353955.2); c.3016C>T, p.Gln1006Ter (NM_001353960.2); c.661C>T, p.Gln221Ter (NM_001353961.2); short protein forms Q1006*, Q1007*, Q1023*, Q1024*, Q1035*, Q221*.
Identifiers: ClinVar variation 3384345 (VCV003384345.1).
Genomic context (GRCh38, chr2:166,036,374, plus strand): 5'-TTAGATCATCAAGTGGTTTAATTTCATCTAAAATCTTTTGTTTCCTAATGAAGGACTGTT[G>A]AATAAATTCATATATTTTTCTTTTCACATAAGCTACTCCTTTGTGCATCCTATCCACAGC-3'

ClinVar aggregate classification (germline): Pathogenic (1 of 4 stars; one submission).

Submission:

GeneDx
Classification: Pathogenic. Last evaluated: 2024-06-04. Review status: criteria provided, single submitter. Criteria: GeneDx Variant Classification Process June 2021. Collection method: clinical testing. Allele origin: germline. Affected: yes.
Comment: Previously reported in a proband with Dravet syndrome; however additional clinical and segregation information were not provided (PMID: 28012175); Not observed at significant frequency in large population cohorts (gnomAD); Nonsense variant predicted to result in protein truncation or nonsense mediated decay in a gene for which loss of function is a known mechanism of disease; This variant is associated with the following publications: (PMID: 28012175)